The following is an entry in ClinVar:

ClinVar aggregate classification (germline): Conflicting classifications of pathogenicity. Review status: criteria provided, conflicting classifications (1 of 4 stars). 3 submissions from 3 submitters: Likely pathogenic (1); Uncertain significance (2). Last evaluated 2025-07-15.

Conditions:
Ehlers-Danlos syndrome, classic type, 1 (EDSCL1). Also called: Ehlers-Danlos Syndrome, Classic Type, COL5A1-Related; EDS I; EHLERS-DANLOS SYNDROME, GRAVIS TYPE; EHLERS-DANLOS SYNDROME, SEVERE CLASSIC TYPE; Ehlers-Danlos syndrome, type 1. Identifiers: MedGen C0268335, MONDO:0019567, OMIM 130000.

Allele frequency attached by ClinVar (database versions not stated): gnomAD exomes below 0.00001.
gnomAD v4.1: 2 of 1,614,194 alleles (0.00012%); highest among the groups gnomAD compares: Admixed American, 0.0017%; no homozygotes.

Submissions (3):

Labcorp Genetics (formerly Invitae), Labcorp
Classification: Uncertain significance for Ehlers-Danlos syndrome, classic type, 1. Last evaluated: 2025-07-15. Review status: criteria provided, single submitter. Criteria: Invitae Variant Classification Sherloc (09022015). Collection method: clinical testing. Allele origin: germline.
Comment: This sequence change replaces glycine, which is neutral and non-polar, with arginine, which is basic and polar, at codon 612 of the COL5A2 protein (p.Gly612Arg). This variant is present in population databases (no rsID available, gnomAD no frequency). This variant has not been reported in the literature in individuals affected with COL5A2-related conditions. ClinVar contains an entry for this variant (Variation ID: 2983692). Invitae Evidence Modeling of protein sequence and biophysical properties (such as structural, functional, and spatial information, amino acid conservation, physicochemical variation, residue mobility, and thermodynamic stability) indicates that this missense variant is expected to disrupt COL5A2 protein function with a positive predictive value of 80%. In summary, the available evidence is currently insufficient to determine the role of this variant in disease. Therefore, it has been classified as a Variant of Uncertain Significance.

GeneDx
Classification: Likely pathogenic. Last evaluated: 2024-11-19. Review status: criteria provided, single submitter. Criteria: GeneDx Variant Classification Process June 2021. Collection method: clinical testing. Allele origin: germline. Affected: yes.
Comment: Not observed at significant frequency in large population cohorts (gnomAD); In silico analysis supports that this missense variant has a deleterious effect on protein structure/function; This variant is associated with the following publications: (PMID: 22696272, 26566670)

Blueprint Genetics
Classification: Uncertain significance. Last evaluated: 2020-10-09. Review status: criteria provided, single submitter. Criteria: ACMG Guidelines, 2015. Collection method: clinical testing. Allele origin: germline.

NM_000393.5(COL5A2):c.1834G>A (p.Gly612Arg)

Gene: COL5A2 (collagen type V alpha 2 chain; minus strand). Cytogenetic location: 2q32.2.
Variant type: single nucleotide variant.
Coding change: c.1834G>A on transcript NM_000393.5 (MANE Select); coding-DNA position 1834, G replaced by A.
Protein change: p.Gly612Arg; replaces glycine 612 with arginine.
Molecular consequence: missense variant.
Genome position (GRCh38, 1-based): chr2:189,063,207, C>T on the plus strand (G>A on the coding strand, the complement: COL5A2 is on the minus strand). VCF-style: chr2-189063207-C-T. GRCh37 (hg19) VCF-style: chr2-189927933-C-T.
Other names: c.1834G>A (NM_000393.3); short protein forms G612R.
Identifiers: ClinVar variation 2983692 (VCV002983692.5), dbSNP rs1428026630, ClinGen allele CA349879854.